The following is an entry in ClinVar:

NM_000138.5(FBN1):c.7726C>G (p.Arg2576Gly)

Gene: FBN1 (fibrillin 1; minus strand). Cytogenetic location: 15q21.1.
Variant type: single nucleotide variant.
Coding change: c.7726C>G on transcript NM_000138.5 (MANE Select); coding-DNA position 7726, C replaced by G.
Protein change: p.Arg2576Gly; replaces arginine 2576 with glycine.
Molecular consequence: missense variant.
Genome position (GRCh38, 1-based): chr15:48,420,780, G>C on the plus strand (C>G on the coding strand, the complement: FBN1 is on the minus strand). VCF-style: chr15-48420780-G-C. GRCh37 (hg19) VCF-style: chr15-48712977-G-C.
Other names: c.7726C>G, p.Arg2576Gly (NM_001406716.1); short protein forms R2576G.
Identifiers: ClinVar variation 3513580 (VCV003513580.1).

ClinVar aggregate classification (germline): Uncertain significance (1 of 4 stars; one submission).

Conditions:
Familial thoracic aortic aneurysm and aortic dissection (TAAD). Also called: Thoracic aortic aneurysms and dissections. Identifiers: Orphanet 91387, MedGen C4707243, MONDO:0019625.

gnomAD v4.1: 1 of 1,613,990 alleles (0.000062%); highest among the groups gnomAD compares: Non-Finnish European, 0.000085%; no homozygotes.

Submission:

Ambry Genetics
Classification: Uncertain significance for Familial thoracic aortic aneurysm and aortic dissection. Last evaluated: 2024-11-21. Review status: criteria provided, single submitter. Criteria: Ambry Variant Classification Scheme 2023. Collection method: clinical testing. Allele origin: germline.
Comment: The p.R2576G variant (also known as c.7726C>G), located in coding exon 62 of the FBN1 gene, results from a C to G substitution at nucleotide position 7726. The arginine at codon 2576 is replaced by glycine, an amino acid with dissimilar properties. This amino acid position is highly conserved in available vertebrate species. In addition, this alteration is predicted to be deleterious by in silico analysis. Based on the available evidence, the clinical significance of this variant remains unclear.